The following is an entry in ClinVar:

NM_017534.6(MYH2):c.533+6T>G

Genes: MYH2 (myosin heavy chain 2; minus strand), MYHAS (myosin heavy chain gene cluster antisense RNA; plus strand), LOC126862501 (CDK7 strongly-dependent group 2 enhancer GRCh37_chr17:10446256-10447455; plus strand). Cytogenetic location: 17p13.1.
Variant type: single nucleotide variant.
Coding change: c.533+6T>G on transcript NM_017534.6 (MANE Select); 6 bases into the intron after coding-DNA position 533, T replaced by G.
Molecular consequence: intron variant.
Genome position (GRCh38, 1-based): chr17:10,544,094, A>C on the plus strand (T>G on the coding strand, the complement: MYH2 is on the minus strand). VCF-style: chr17-10544094-A-C. GRCh37 (hg19) VCF-style: chr17-10447411-A-C.
Other names: c.533+6T>G (NM_001100112.2).
Identifiers: ClinVar variation 1379848 (VCV001379848.5), dbSNP rs545924178, ClinGen allele CA8391606.

ClinVar aggregate classification (germline): Uncertain significance (1 of 4 stars; one submission).

Conditions:
Myopathy, proximal, and ophthalmoplegia (CMYO6). Also called: MYOPATHY WITH CONGENITAL JOINT CONTRACTURES, OPHTHALMOPLEGIA, AND RIMMED VACUOLES; CONGENITAL MYOPATHY 6 WITH OPHTHALMOPLEGIA; INCLUSION BODY MYOPATHY 3, AUTOSOMAL DOMINANT. Identifiers: Orphanet 363677, Orphanet 79091, MedGen C1854106, MONDO:0011577, OMIM 605637.

Allele frequency attached by ClinVar (database versions not stated): ExAC 0.00015; gnomAD exomes 0.00018; 1000 Genomes Project 30x 0.00047; 1000 Genomes Project 0.00060.
gnomAD v4.1: 137 of 1,614,160 alleles (0.0085%); highest among the groups gnomAD compares: South Asian, 0.11%; no homozygotes.

Submission:

Labcorp Genetics (formerly Invitae), Labcorp
Classification: Uncertain significance for Myopathy, proximal, and ophthalmoplegia. Last evaluated: 2024-10-18. Review status: criteria provided, single submitter. Criteria: Invitae Variant Classification Sherloc (09022015). Collection method: clinical testing. Allele origin: germline.
Comment: This sequence change falls in intron 6 of the MYH2 gene. It does not directly change the encoded amino acid sequence of the MYH2 protein. It affects a nucleotide within the consensus splice site. This variant is present in population databases (rs545924178, gnomAD 0.1%). This variant has not been reported in the literature in individuals affected with MYH2-related conditions. ClinVar contains an entry for this variant (Variation ID: 1379848). Variants that disrupt the consensus splice site are a relatively common cause of aberrant splicing (PMID: 17576681, 9536098). Algorithms developed to predict the effect of sequence changes on RNA splicing suggest that this variant may disrupt the consensus splice site. In summary, the available evidence is currently insufficient to determine the role of this variant in disease. Therefore, it has been classified as a Variant of Uncertain Significance.

Literature cited by the submitters: PubMed 17576681; PubMed 9536098.